The following is an entry in ClinVar:

ClinVar aggregate classification (germline): Uncertain significance (1 of 4 stars; one submission).

Conditions:
Familial thoracic aortic aneurysm and aortic dissection (TAAD). Also called: Thoracic aortic aneurysms and dissections. Identifiers: Orphanet 91387, MedGen C4707243, MONDO:0019625.

Allele frequency attached by ClinVar (database versions not stated): TOPMed below 0.00001; gnomAD 0.00001.
gnomAD v4.1: 1 of 1,613,152 alleles (0.000062%); highest among the groups gnomAD compares: African/African-American, 0.0013%; no homozygotes.

Submission:

Labcorp Genetics (formerly Invitae), Labcorp
Classification: Uncertain significance for Familial thoracic aortic aneurysm and aortic dissection. Last evaluated: 2023-04-18. Review status: criteria provided, single submitter. Criteria: Invitae Variant Classification Sherloc (09022015). Collection method: clinical testing. Allele origin: germline.
Comment: This sequence change replaces proline, which is neutral and non-polar, with serine, which is neutral and polar, at codon 194 of the TGFBR1 protein (p.Pro194Ser). This variant is not present in population databases (gnomAD no frequency). This variant has not been reported in the literature in individuals affected with TGFBR1-related conditions. Advanced modeling of protein sequence and biophysical properties (such as structural, functional, and spatial information, amino acid conservation, physicochemical variation, residue mobility, and thermodynamic stability) performed at Invitae indicates that this missense variant is expected to disrupt TGFBR1 protein function. In summary, the available evidence is currently insufficient to determine the role of this variant in disease. Therefore, it has been classified as a Variant of Uncertain Significance.

NM_004612.4(TGFBR1):c.580C>T (p.Pro194Ser)

Gene: TGFBR1 (transforming growth factor beta receptor 1; plus strand). Cytogenetic location: 9q22.33.
Variant type: single nucleotide variant.
Coding change: c.580C>T on transcript NM_004612.4 (MANE Select); coding-DNA position 580, C replaced by T.
Protein change: p.Pro194Ser; replaces proline 194 with serine.
Molecular consequence: missense variant. On other transcripts: non-coding transcript variant (4), intron variant (2).
Genome position (GRCh38, 1-based): chr9:99,137,864, C>T. VCF-style: chr9-99137864-C-T. GRCh37 (hg19) VCF-style: chr9-101900146-C-T.
Other names: c.349C>T, p.Pro117Ser (NM_001130916.3); c.592C>T, p.Pro198Ser (NM_001306210.2, NM_001407416.1); c.580C>T, p.Pro194Ser (NM_001407417.1); c.385C>T, p.Pro129Ser (NM_001407418.1, NM_001407419.1, NM_001407420.1 and 1 more transcripts); c.373C>T, p.Pro125Ser (NM_001407423.1, NM_001407424.1, NM_001407425.1 and 8 more transcripts); c.334C>T, p.Pro112Ser (NM_001407436.1); c.103C>T, p.Pro35Ser (NM_001407438.1); c.575-4672C>T (NM_001407435.1); and 1 more; short protein forms P112S, P117S, P125S, P129S, P194S, P198S, P35S.
Identifiers: ClinVar variation 2857355 (VCV002857355.3), dbSNP rs1403864711, ClinGen allele CA374229270.
Genomic context (GRCh38, chr9:99,137,864, plus strand): 5'-TTTGAAACATGTAATATTGTTGATTGTGTTGAGTACTATTTATTTTTACCTTTAGGTTTA[C>T]CATTGCTTGTTCAGAGAACAATTGCGAGAACTATTGTGTTACAAGAAAGCATTGGCAAAG-3'
Protein context (NP_004603.1, residues 184-204): MTTSGSGSGL[Pro194Ser]LLVQRTIART